The following is an entry in ClinVar:

NM_005908.4(MANBA):c.1403A>G (p.His468Arg)

Gene: MANBA (mannosidase beta; minus strand). Cytogenetic location: 4q24.
Variant type: single nucleotide variant.
Coding change: c.1403A>G on transcript NM_005908.4 (MANE Select); coding-DNA position 1403, A replaced by G.
Protein change: p.His468Arg; replaces histidine 468 with arginine.
Molecular consequence: missense variant.
Genome position (GRCh38, 1-based): chr4:102,664,767, T>C on the plus strand (A>G on the coding strand, the complement: MANBA is on the minus strand). VCF-style: chr4-102664767-T-C. GRCh37 (hg19) VCF-style: chr4-103585924-T-C.
Other names: c.1403A>G (NM_005908.3); short protein forms H468R.
Identifiers: ClinVar variation 1358540 (VCV001358540.8), dbSNP rs776769550, ClinGen allele CA3026918.
Genomic context (GRCh38, chr4:102,664,767, plus strand): 5'-TTTTTCACATAGAGTGTCACATAGTCCTTGATGTAGATTGGCCGGTCAGTGAAACTGATA[T>C]GATACCAATTCATCATCAGCGCCTCCTCATTTTCATTATTGCCACTCCATATGATGATAG-3'
Protein context (NP_005899.3, residues 458-478): NEEALMMNWY[His468Arg]ISFTDRPIYI

ClinVar aggregate classification (germline): Uncertain significance. Review status: criteria provided, multiple submitters, no conflicts (2 of 4 stars). 2 submissions from 2 submitters: Uncertain significance (2). Last evaluated 2025-08-13.

Conditions:
Inborn genetic diseases. Identifiers: MedGen C0950123, MeSH D030342.
Beta-D-mannosidosis (MANSB). Also called: MANNOSIDOSIS, BETA A, LYSOSOMAL; BETA-MANNOSIDASE DEFICIENCY; LYSOSOMAL BETA-MANNOSIDASE DEFICIENCY; Beta-Mannosidosis. Identifiers: Orphanet 118, MedGen C4048196, MONDO:0009562, OMIM 248510.

Allele frequency attached by ClinVar (database versions not stated): gnomAD exomes 0.00001; ExAC 0.00002.
gnomAD v4.1: 10 of 1,609,462 alleles (0.00062%); highest among the groups gnomAD compares: South Asian, 0.0022%; no homozygotes.

Submissions (2):

Ambry Genetics
Classification: Uncertain significance for Inborn genetic diseases. Last evaluated: 2025-08-13. Review status: criteria provided, single submitter. Criteria: Ambry Variant Classification Scheme 2023. Collection method: clinical testing. Allele origin: germline.

Labcorp Genetics (formerly Invitae), Labcorp
Classification: Uncertain significance for Beta-D-mannosidosis. Last evaluated: 2024-11-11. Review status: criteria provided, single submitter. Criteria: Invitae Variant Classification Sherloc (09022015). Collection method: clinical testing. Allele origin: germline.
Comment: This sequence change replaces histidine, which is basic and polar, with arginine, which is basic and polar, at codon 468 of the MANBA protein (p.His468Arg). This variant is present in population databases (rs776769550, gnomAD 0.006%). This variant has not been reported in the literature in individuals affected with MANBA-related conditions. ClinVar contains an entry for this variant (Variation ID: 1358540). Invitae Evidence Modeling of protein sequence and biophysical properties (such as structural, functional, and spatial information, amino acid conservation, physicochemical variation, residue mobility, and thermodynamic stability) indicates that this missense variant is not expected to disrupt MANBA protein function with a negative predictive value of 80%. In summary, the available evidence is currently insufficient to determine the role of this variant in disease. Therefore, it has been classified as a Variant of Uncertain Significance.